The following is an entry in ClinVar:

NM_144997.7(FLCN):c.1517G>A (p.Cys506Tyr)

Gene: FLCN (folliculin; minus strand). Cytogenetic location: 17p11.2.
Variant type: single nucleotide variant.
Coding change: c.1517G>A on transcript NM_144997.7 (MANE Select); coding-DNA position 1517, G replaced by A.
Protein change: p.Cys506Tyr; replaces cysteine 506 with tyrosine.
Molecular consequence: missense variant.
Genome position (GRCh38, 1-based): chr17:17,215,006, C>T on the plus strand (G>A on the coding strand, the complement: FLCN is on the minus strand). VCF-style: chr17-17215006-C-T. GRCh37 (hg19) VCF-style: chr17-17118320-C-T.
Other names: c.1571G>A, p.Cys524Tyr (NM_001353229.2); c.1517G>A, p.Cys506Tyr (NM_001353230.2, NM_001353231.2); short protein forms C524Y, C506Y.
Identifiers: ClinVar variation 2566310 (VCV002566310.5), dbSNP rs2544140906, ClinGen allele CA398530750.

ClinVar aggregate classification (germline): Uncertain significance. Review status: criteria provided, multiple submitters, no conflicts (2 of 4 stars). 2 submissions from 2 submitters: Uncertain significance (2). Last evaluated 2024-06-19.

Conditions:
Hereditary cancer-predisposing syndrome. Also called: Neoplastic Syndromes, Hereditary; Hereditary Cancer Syndrome; Tumor predisposition; Hereditary neoplastic syndrome. Identifiers: Orphanet 140162, MedGen C0027672, MeSH D009386, MONDO:0015356.
Birt-Hogg-Dube syndrome. Also called: Birt Hogg Dubé syndrome. Identifiers: Orphanet 122, MedGen C0346010, MONDO:0800444.

Submissions (2):

Labcorp Genetics (formerly Invitae), Labcorp
Classification: Uncertain significance for Birt-Hogg-Dube syndrome. Last evaluated: 2024-06-19. Review status: criteria provided, single submitter. Criteria: Invitae Variant Classification Sherloc (09022015). Collection method: clinical testing. Allele origin: germline.
Comment: This sequence change replaces cysteine, which is neutral and slightly polar, with tyrosine, which is neutral and polar, at codon 506 of the FLCN protein (p.Cys506Tyr). This variant is not present in population databases (gnomAD no frequency). This variant has not been reported in the literature in individuals affected with FLCN-related conditions. ClinVar contains an entry for this variant (Variation ID: 2566310). Advanced modeling of protein sequence and biophysical properties (such as structural, functional, and spatial information, amino acid conservation, physicochemical variation, residue mobility, and thermodynamic stability) has been performed at Invitae for this missense variant, however the output from this modeling did not meet the statistical confidence thresholds required to predict the impact of this variant on FLCN protein function. In summary, the available evidence is currently insufficient to determine the role of this variant in disease. Therefore, it has been classified as a Variant of Uncertain Significance.

Ambry Genetics
Classification: Uncertain significance for Hereditary cancer-predisposing syndrome. Last evaluated: 2023-03-15. Review status: criteria provided, single submitter. Criteria: Ambry Variant Classification Scheme 2023. Collection method: clinical testing. Allele origin: germline.
Comment: The p.C506Y variant (also known as c.1517G>A), located in coding exon 10 of the FLCN gene, results from a G to A substitution at nucleotide position 1517. The cysteine at codon 506 is replaced by tyrosine, an amino acid with highly dissimilar properties. This amino acid position is conserved. In addition, this alteration is predicted to be deleterious by in silico analysis. Since supporting evidence is limited at this time, the clinical significance of this alteration remains unclear.